The following is an entry in ClinVar:

NM_022356.4(P3H1):c.2005C>T (p.Arg669Cys)

Gene: P3H1 (prolyl 3-hydroxylase 1; minus strand). Cytogenetic location: 1p34.2.
Variant type: single nucleotide variant.
Coding change: c.2005C>T on transcript NM_022356.4 (MANE Select); coding-DNA position 2005, C replaced by T.
Protein change: p.Arg669Cys; replaces arginine 669 with cysteine.
Molecular consequence: missense variant.
Genome position (GRCh38, 1-based): chr1:42,747,322, G>A on the plus strand (C>T on the coding strand, the complement: P3H1 is on the minus strand). VCF-style: chr1-42747322-G-A. GRCh37 (hg19) VCF-style: chr1-43212993-G-A.
Other names: c.2005C>T, p.Arg669Cys (NM_001146289.2, NM_001243246.2); short protein forms R669C.
Identifiers: ClinVar variation 1026427 (VCV001026427.7), dbSNP rs1482209044, ClinGen allele CA339952615.
Genomic context (GRCh38, chr1:42,747,322, plus strand): 5'-CTGCTCTCACCCGCTCGCTGTGTCGAGGGTCCAGGGTGAACCACAGGGCGATGGCACAGC[G>A]CTGCCCCCTGGTGACAGCCTTCACTCCATGTGGGTTTTCAGTGCCTGAAGAGAATCCCAC-3'
Protein context (NP_071751.3, residues 659-679): HGVKAVTRGQ[Arg669Cys]CAIALWFTLD

ClinVar aggregate classification (germline): Uncertain significance (1 of 4 stars; one submission).

Conditions:
Osteogenesis imperfecta type 8 (OI8). Identifiers: MedGen C1970458, MONDO:0012581, OMIM 610915.

Allele frequency attached by ClinVar (database versions not stated): TOPMed below 0.00001; gnomAD 0.00001; gnomAD exomes 0.00001.

Submission:

Labcorp Genetics (formerly Invitae), Labcorp
Classification: Uncertain significance for Osteogenesis imperfecta type 8. Last evaluated: 2020-08-01. Review status: criteria provided, single submitter. Criteria: Invitae Variant Classification Sherloc (09022015). Collection method: clinical testing. Allele origin: germline.
Comment: In summary, the available evidence is currently insufficient to determine the role of this variant in disease. Therefore, it has been classified as a Variant of Uncertain Significance. Algorithms developed to predict the effect of missense changes on protein structure and function are either unavailable or do not agree on the potential impact of this missense change (SIFT: "Deleterious"; PolyPhen-2: "Probably Damaging"; Align-GVGD: "Class C0"). This variant has not been reported in the literature in individuals with P3H1-related conditions. This variant is not present in population databases (ExAC no frequency). This sequence change replaces arginine with cysteine at codon 669 of the P3H1 protein (p.Arg669Cys). The arginine residue is highly conserved and there is a large physicochemical difference between arginine and cysteine.